The following is an entry in ClinVar:

ClinVar aggregate classification (germline): Uncertain significance (1 of 4 stars; one submission).

gnomAD v4.1: 1 of 1,614,094 alleles (0.000062%); highest among the groups gnomAD compares: Non-Finnish European, 0.000085%; no homozygotes.

Submission:

Labcorp Genetics (formerly Invitae), Labcorp
Classification: Uncertain significance. Last evaluated: 2024-02-20. Review status: criteria provided, single submitter. Criteria: Invitae Variant Classification Sherloc (09022015). Collection method: clinical testing. Allele origin: germline.
Comment: This sequence change replaces tyrosine, which is neutral and polar, with histidine, which is basic and polar, at codon 2677 of the FREM2 protein (p.Tyr2677His). This variant is present in population databases (no rsID available, gnomAD 0.0009%). This variant has not been reported in the literature in individuals affected with FREM2-related conditions. Advanced modeling of protein sequence and biophysical properties (such as structural, functional, and spatial information, amino acid conservation, physicochemical variation, residue mobility, and thermodynamic stability) performed at Invitae indicates that this missense variant is not expected to disrupt FREM2 protein function with a negative predictive value of 80%. In summary, the available evidence is currently insufficient to determine the role of this variant in disease. Therefore, it has been classified as a Variant of Uncertain Significance.

NM_207361.6(FREM2):c.8029T>C (p.Tyr2677His)

Gene: FREM2 (FRAS1 related extracellular matrix 2; plus strand). Cytogenetic location: 13q13.3.
Variant type: single nucleotide variant.
Coding change: c.8029T>C on transcript NM_207361.6 (MANE Select); coding-DNA position 8029, T replaced by C.
Protein change: p.Tyr2677His; replaces tyrosine 2677 with histidine.
Molecular consequence: missense variant.
Genome position (GRCh38, 1-based): chr13:38,872,787, T>C. VCF-style: chr13-38872787-T-C. GRCh37 (hg19) VCF-style: chr13-39446924-T-C.
Other names: short protein forms Y2677H.
Identifiers: ClinVar variation 3640629 (VCV003640629.2).